The following is an entry in ClinVar:

NM_004333.6(BRAF):c.736G>C (p.Ala246Pro)

Gene: BRAF (B-Raf proto-oncogene, serine/threonine kinase; minus strand). Cytogenetic location: 7q34.
Variant type: single nucleotide variant.
Coding change: c.736G>C on transcript NM_004333.6 (MANE Select); coding-DNA position 736, G replaced by C.
Protein change: p.Ala246Pro; replaces alanine 246 with proline.
Molecular consequence: missense variant.
Genome position (GRCh38, 1-based): chr7:140,801,536, C>G on the plus strand (G>C on the coding strand, the complement: BRAF is on the minus strand). VCF-style: chr7-140801536-C-G. GRCh37 (hg19) VCF-style: chr7-140501336-C-G.
Other names: p.A246P:GCA>CCA; NM_004333.4(BRAF):c.736G>C; c.736G>C, p.Ala246Pro (NM_001354609.2, NM_001374244.1, NM_001374258.1 and 4 more transcripts); c.745G>C, p.Ala249Pro (NM_001378467.1); c.634G>C, p.Ala212Pro (NM_001378470.1); c.580G>C, p.Ala194Pro (NM_001378472.1, NM_001378473.1); c.472G>C, p.Ala158Pro (NM_001378475.1); short protein forms A246P, A158P, A194P, A212P, A249P.
Identifiers: ClinVar variation 13965 (VCV000013965.30), dbSNP rs180177034, ClinGen allele CA279968.

ClinVar aggregate classification (germline): Pathogenic. Review status: reviewed by expert panel (3 of 4 stars). 13 submissions from 13 submitters: Pathogenic (1). 12 of the submissions do not count toward it. Last evaluated 2017-04-03.

Conditions:
Lung cancer. Also called: Lung cancer, somatic; Malignant tumor of lung. Identifiers: MedGen C0242379, MONDO:0008903, OMIM 211980.
Colorectal cancer. Also called: Colorectal cancer, somatic; Malignant Colorectal Neoplasm. Identifiers: MedGen C0346629, MONDO:0005575, OMIM 114500.
Noonan syndrome 7 (NS7). Also called: BRAF-Related Noonan Syndrome. Identifiers: Orphanet 648, MedGen C3150970, MONDO:0013379, OMIM 613706.
LEOPARD syndrome 3 (LPRD3). Identifiers: Orphanet 500, MedGen C3150971, MONDO:0013380, OMIM 613707.
Cardiofaciocutaneous syndrome 1 (CFC1). Also called: BRAF-Related Cardiofaciocutaneous Syndrome. Identifiers: Orphanet 1340, MedGen CN029449, MONDO:0007265, OMIM 115150. Disease mechanism: gain of function.
Melanoma, cutaneous malignant, susceptibility to, 1 (CMM1). Also called: B-K MOLE SYNDROME; DYSPLASTIC NEVUS SYNDROME, HEREDITARY; FAMILIAL ATYPICAL MOLE-MALIGNANT MELANOMA SYNDROME; MELANOMA, MALIGNANT. Identifiers: Orphanet 618, MedGen C1835047, MONDO:0007963, OMIM 155600.
BRAF-related disorder. Also called: BRAF-related condition.
Cardio-facio-cutaneous syndrome. Also called: Cardiofaciocutaneous syndrome; CFC syndrome. Identifiers: Orphanet 1340, MedGen C1275081, MONDO:0015280. Disease mechanism: gain of function.
Noonan syndrome (NS). Also called: Noonan's syndrome. Identifiers: Orphanet 648, MedGen C0028326, MeSH D009634, MONDO:0018997. Disease mechanism: gain of function.
RASopathy. Also called: Noonan spectrum disorder; rasopathies. Identifiers: Orphanet 536391, MedGen C5555857, MONDO:0021060.
Noonan syndrome 1 (NS1). Also called: TURNER PHENOTYPE WITH NORMAL KARYOTYPE; FEMALE PSEUDO-TURNER SYNDROME; PTPN11-Related Noonan Syndrome. Identifiers: Orphanet 648, MedGen C4551602, MONDO:0008104, OMIM 163950. Disease mechanism: gain of function.

Submissions (13):

ClinGen RASopathy Variant Curation Expert Panel
Classification: Pathogenic for Cardio-facio-cutaneous syndrome. Last evaluated: 2017-04-03. Review status: reviewed by expert panel. Criteria: ClinGen RASopathy ACMG Specifications v1. Collection method: curation. Allele origin: germline. Inheritance: Autosomal dominant inheritance.
Comment: The c.736G>C (p.Ala246Pro) variant in BRAF has been reported in the literature as a de novo occurrence in at least 2 patients with clinical features of a RASopathy (PM6 and PS2; PMID 16474404 and 18042262). In vitro functional studies provide some evidence that the p.Ala246Pro variant may impact protein function (PS3; 16474404, 19376813). This variant was absent from large population studies (PM2; ExAC). The variant is located in the BRAF gene, which has been defined by the ClinGen RASopathy Expert Panel as a gene with a low rate of benign missense variants and pathogenic missense variants are common (PP2; PMID 29493581). This variant is in a location which has been defined by the ClinGen RASopathy Expert Panel to be a mutational hotspot or domain of BRAF (PM1; PMID 29493581). Computational prediction tools and conservation analysis suggest that the p.Ala246Pro variant may impact the protein (PP3). In summary, this variant meets criteria to be classified as pathogenic for RASopathies in an autosomal dominant manner. Rasopathy-specific ACMG/AMP criteria applied (PMID:29493581): PP2, PP3, PM1, PM2, PM6, PS2, PS3.

Labcorp Genetics (formerly Invitae), Labcorp
Classification: Pathogenic for RASopathy. Last evaluated: 2026-01-20. Review status: criteria provided, single submitter. Criteria: Invitae Variant Classification Sherloc (09022015). Collection method: clinical testing. Allele origin: germline. Not counted in ClinVar's aggregate classification.
Comment: This sequence change replaces alanine, which is neutral and non-polar, with proline, which is neutral and non-polar, at codon 246 of the BRAF protein (p.Ala246Pro). This variant is not present in population databases (gnomAD no frequency). This missense change has been observed in individuals with cardio-facio-cutaneous syndrome or Noonan syndrome (PMID: 16474404, 20523244, 28911804). ClinVar contains an entry for this variant (Variation ID: 13965). Invitae Evidence Modeling incorporating data from in vitro experimental studies (internal data) indicates that this missense variant is expected to disrupt BRAF function with a positive predictive value of 95%. Experimental studies have shown that this missense change affects BRAF function (PMID: 16474404). For these reasons, this variant has been classified as Pathogenic.

3billion
Classification: Pathogenic for Cardiofaciocutaneous syndrome 1. Last evaluated: 2025-04-30. Review status: criteria provided, single submitter. Criteria: ACMG Guidelines, 2015. Collection method: clinical testing. Allele origin: germline. Affected: yes. Not counted in ClinVar's aggregate classification.
Comment: The variant is not observed in the gnomAD v4.1.0 dataset. Predicted Consequence/Location: The variant is located in a mutational hot spot and/or well-established functional domain in which established pathogenic variants have been reported (PMID: 29493581). Missense variant. Missense changes are a common disease-causing mechanism. Functional studies provide strong evidence of the variant having a damaging effect on the gene or gene product (PMID: 16474404, 19376813). In silico tool predictions suggest damaging effect of the variant on gene or gene product [REVEL: 0.93 (>=0.6, sensitivity 0.68 and specificity 0.92); 3Cnet: 1.00 (> 0.75, sensitivity 0.96 and precision 0.92)]. The same nucleotide change resulting in the same amino acid change has been previously reported as pathogenic/likely pathogenic with strong evidence (ClinVar ID: VCV000013965 / PMID: 16474404 / 3billion dataset). The variant has been previously reported as de novo in at least two similarly affected unrelated individuals (PMID: 16474404, 18042262). Therefore, this variant is classified as Pathogenic according to the recommendation of ACMG/AMP guideline.

GeneDx
Classification: Pathogenic. Last evaluated: 2023-04-12. Review status: criteria provided, single submitter. Criteria: GeneDx Variant Classification Process June 2021. Collection method: clinical testing. Allele origin: germline. Affected: yes. Not counted in ClinVar's aggregate classification.
Comment: Published functional studies demonstrate a damaging effect that the A246P variant results in increased ELK-dependent transcription, leading to activation of BRAF and stimulation of downstream effectors (MEK and ERK) (Niihori et al., 2006); Not observed in large population cohorts (gnomAD); Missense variants in this gene are often considered pathogenic (HGMD); In silico analysis, which includes protein predictors and evolutionary conservation, supports a deleterious effect; This variant is associated with the following publications: (PMID: 19376813, 24409384, 34573299, 30141192, 20523244, 16474404, 18042262, 23885229, 24803665, 28809097, 28911804, 27666661, 31560489, 35418823, 24957944, 15488754, 16439621, 15520807, 17603483, 29493581, 17704260)

Mayo Clinic Laboratories, Mayo Clinic
Classification: Pathogenic. Last evaluated: 2020-06-09. Review status: criteria provided, single submitter. Criteria: ACMG Guidelines, 2015. Collection method: clinical testing. Allele origin: germline. Observed: 1 variant allele. Not counted in ClinVar's aggregate classification.
Comment: PP2, PP3, PM1, PM2, PM6, PS2, PS3, PS4

Blueprint Genetics
Classification: Pathogenic for BRAF-related disorders. Last evaluated: 2017-06-02. Review status: criteria provided, single submitter. Criteria: ACMG Guidelines, 2015. Collection method: clinical testing. Allele origin: germline. Affected: yes. Observed: 1 variant allele. Not counted in ClinVar's aggregate classification.

Laboratory for Molecular Medicine, Mass General Brigham Personalized Medicine
Classification: Pathogenic for Noonan syndrome; Cardio-facio-cutaneous syndrome. Last evaluated: 2013-08-02. Review status: criteria provided, single submitter. Criteria: LMM Criteria. Collection method: clinical testing. Allele origin: germline. Inheritance: Autosomal dominant inheritance. Observed: 5 variant alleles. Not counted in ClinVar's aggregate classification.
Comment: The p.Ala246Pro variant in BRAF has been reported in 6 individuals with clinical features of Cardio-facio-cutaneous syndrome (CFC) (Niihori 2006, Nava 2007, Nys trom 2008, Schulz 2008, Ohtake 2011). This variant occurred de novo in 2 of thes e individuals (Niihori 2006, Schulz 2008), and one of these individuals also had Non-Hodgkin Lymphoma (Ohtake 2011). Furthermore, this variant has now been iden tified by our laboratory in 5 individuals with clinical features of Noonan syndr ome and/or CFC syndrome. It was also absent from large population studies. There fore, this variant meets our criteria to be classified as pathogenic (.).

Juno Genomics, Hangzhou Juno Genomics, Inc
Classification: Pathogenic for Melanoma, cutaneous malignant, susceptibility to, 1; Colorectal cancer; Lung cancer; Cardiofaciocutaneous syndrome 1; LEOPARD syndrome 3; Noonan syndrome 7. Review status: criteria provided, single submitter. Criteria: ACMG Guidelines, 2015. Collection method: clinical testing. Allele origin: germline. Affected: yes. Not counted in ClinVar's aggregate classification.
Comment: Absent from controls (or at extremely low frequency if recessive) in Genome Aggregation Database.;Missense variant in a gene that has a low rate of benign missense variation.;Well-established in vitro or in vivo functional studies supportive of a damaging effect on the gene or gene product.;Located in a mutational hot spot and/or critical and well-established functional domain without benign variation.;The prevalence of the variant in affected individuals is significantly increased compared to the prevalence in controls.;De novo (both maternity and paternity confirmed) in a patient with the disease and no family history.;Assumed de novo, but without confirmation of paternity and maternity.

Neuberg Centre For Genomic Medicine, NCGM
Classification: Pathogenic for Noonan syndrome 7. Review status: criteria provided, single submitter. Criteria: ACMG Guidelines, 2015. Collection method: clinical testing. Allele origin: germline. Inheritance: Autosomal dominant inheritance. Affected: yes. Not counted in ClinVar's aggregate classification.
Comment: The missense c.736G>C (p.Ala246Pro) variant in BRAF gene has been reported in heterozygous state in individuals affected with cardio-facio-cutaneous syndrome or Noonan syndrome (Ohtake A et al., 2011). Experimental studies have shown that this missense increased ELK-dependent transcription, leading to activation of BRAF and stimulation of downstream effectors (MEK and ERK) (Niihori et al., 2006). The p.Ala246Pro variant is novel (not in any individuals) in gnomAD and in 1000 genome database. It has been submitted to ClinVar as Pathogenic. The amino acid Ala at position 246 is changed to a Pro changing protein sequence and it might alter its composition and physico-chemical properties. The amino acid change p.Ala246Pro in BRAF is predicted as conserved by GERP++ and PhyloP across 100 vertebrates. For these reasons, this variant has been classified as Pathogenic.

Clinical Molecular Genetics Laboratory, Johns Hopkins All Children's Hospital
Classification: Pathogenic for Noonan syndrome. Last evaluated: 2017-06-15. Review status: no assertion criteria provided. Collection method: clinical testing. Allele origin: germline. Affected: yes. Not counted in ClinVar's aggregate classification.

OMIM
Classification: Pathogenic for CARDIOFACIOCUTANEOUS SYNDROME 1. Last evaluated: 2006-03-01. Review status: no assertion criteria provided. Collection method: literature only. Allele origin: germline. Not counted in ClinVar's aggregate classification.

Division of Human Genetics, National Health Laboratory Service/University of the Witwatersrand
Classification: Pathogenic for Noonan syndrome 1. Review status: no assertion criteria provided. Collection method: research. Allele origin: unknown. Affected: yes. Observed: 1 variant allele. Not counted in ClinVar's aggregate classification.

Molecular Genetics, Centre for Human Genetics
Classification: Pathogenic for Noonan syndrome 1. Review status: no assertion criteria provided. Collection method: clinical testing. Allele origin: de novo. Inheritance: Autosomal dominant inheritance. Affected: yes. Observed: 1 variant allele. Not counted in ClinVar's aggregate classification.

Literature cited by the submitters: PubMed 16474404 (cited by 5 submitters); PubMed 20523244 (cited by 3 submitters); PubMed 28911804 (cited by Labcorp Genetics (formerly Invitae), Labcorp and Mayo Clinic Laboratories, Mayo Clinic); PubMed 19376813 (cited by 3billion and Mayo Clinic Laboratories, Mayo Clinic); PubMed 18042262 (cited by 3 submitters); PubMed 31560489 (cited by Mayo Clinic Laboratories, Mayo Clinic); PubMed 17704260 (cited by Laboratory for Molecular Medicine, Mass General Brigham Personalized Medicine); PubMed 18456719 (cited by Laboratory for Molecular Medicine, Mass General Brigham Personalized Medicine).